The following is an entry in ClinVar:

NM_000369.5(TSHR):c.1865T>C (p.Ile622Thr)

Genes: TSHR (thyroid stimulating hormone receptor; plus strand), TSHR-AS1 (TSHR antisense RNA 1; minus strand). Cytogenetic location: 14q31.1.
Variant type: single nucleotide variant.
Coding change: c.1865T>C on transcript NM_000369.5 (MANE Select); coding-DNA position 1865, T replaced by C.
Protein change: p.Ile622Thr; replaces isoleucine 622 with threonine.
Molecular consequence: missense variant.
Genome position (GRCh38, 1-based): chr14:81,143,923, T>C. VCF-style: chr14-81143923-T-C. GRCh37 (hg19) VCF-style: chr14-81610267-T-C.
Other names: short protein forms I622T.
Identifiers: ClinVar variation 3572787 (VCV003572787.1).

ClinVar aggregate classification (germline): Uncertain significance (1 of 4 stars; one submission).

gnomAD v4.1: 1 of 1,614,206 alleles (0.000062%); highest among the groups gnomAD compares: African/African-American, 0.0013%; no homozygotes.

Submission:

GeneDx
Classification: Uncertain significance. Last evaluated: 2024-07-09. Review status: criteria provided, single submitter. Criteria: GeneDx Variant Classification Process June 2021. Collection method: clinical testing. Allele origin: germline. Affected: yes.
Comment: Not observed at significant frequency in large population cohorts (gnomAD); In silico analysis supports that this missense variant has a deleterious effect on protein structure/function; Has not been previously published as pathogenic or benign to our knowledge